The following is an entry in ClinVar:

ClinVar aggregate classification (germline): Pathogenic. Review status: criteria provided, multiple submitters, no conflicts (2 of 4 stars). 2 submissions from 2 submitters: Pathogenic (2). Last evaluated 2024-06-06.

Conditions:
Leber congenital amaurosis 2 (LCA2). Also called: AMAUROSIS CONGENITA OF LEBER II; Autosomal Recessive RPE65-Related Retinal Degeneration. Identifiers: Orphanet 65, MedGen C1859844, MONDO:0008765, OMIM 204100. Disease mechanism: loss of function.
Retinitis pigmentosa 20 (RP20). Identifiers: Orphanet 791, MedGen C3151086, MONDO:0013425, OMIM 613794.

Allele frequency attached by ClinVar (database versions not stated): TOPMed below 0.00001; gnomAD 0.00001.
gnomAD v4.1: 2 of 1,613,498 alleles (0.00012%); highest among the groups gnomAD compares: African/African-American, 0.0013%; no homozygotes.

Submissions (2):

Labcorp Genetics (formerly Invitae), Labcorp
Classification: Pathogenic for Leber congenital amaurosis 2; Retinitis pigmentosa 20. Last evaluated: 2024-06-06. Review status: criteria provided, single submitter. Criteria: Invitae Variant Classification Sherloc (09022015). Collection method: clinical testing. Allele origin: germline.
Comment: This sequence change affects a donor splice site in intron 7 of the RPE65 gene. It is expected to disrupt RNA splicing. Variants that disrupt the donor or acceptor splice site typically lead to a loss of protein function (PMID: 16199547), and loss-of-function variants in RPE65 are known to be pathogenic (PMID: 9326941, 9501220, 9843205, 18632300). This variant is not present in population databases (gnomAD no frequency). Disruption of this splice site has been observed in individuals with RPE65-related conditions (PMID: 30268864, 31960602). ClinVar contains an entry for this variant (Variation ID: 1457633). Algorithms developed to predict the effect of sequence changes on RNA splicing suggest that this variant may disrupt the consensus splice site. For these reasons, this variant has been classified as Pathogenic.

Baylor Genetics
Classification: Pathogenic for Leber congenital amaurosis 2. Last evaluated: 2024-03-08. Review status: criteria provided, single submitter. Criteria: ACMG Guidelines, 2015. Collection method: clinical testing. Allele origin: unknown.

Literature cited by the submitters: PubMed 16199547 (cited by Labcorp Genetics (formerly Invitae), Labcorp); PubMed 9326941 (cited by Labcorp Genetics (formerly Invitae), Labcorp); PubMed 9501220 (cited by Labcorp Genetics (formerly Invitae), Labcorp); PubMed 9843205 (cited by Labcorp Genetics (formerly Invitae), Labcorp); PubMed 18632300 (cited by Labcorp Genetics (formerly Invitae), Labcorp); PubMed 30268864 (cited by Labcorp Genetics (formerly Invitae), Labcorp); PubMed 31960602 (cited by Labcorp Genetics (formerly Invitae), Labcorp).

NM_000329.3(RPE65):c.725+2T>A

Gene: RPE65 (retinoid isomerohydrolase RPE65; minus strand). Cytogenetic location: 1p31.3.
Variant type: single nucleotide variant.
Coding change: c.725+2T>A on transcript NM_000329.3 (MANE Select); the canonical splice donor site of the intron after coding-DNA position 725, T replaced by A.
Molecular consequence: splice donor variant.
Genome position (GRCh38, 1-based): chr1:68,439,559, A>T on the plus strand (T>A on the coding strand, the complement: RPE65 is on the minus strand). VCF-style: chr1-68439559-A-T. GRCh37 (hg19) VCF-style: chr1-68905242-A-T.
Other names: c.449+2T>A (NM_001406857.1, NM_001406856.1); c.617+2T>A (NM_001406853.1); c.725+2T>A (NM_001406859.1).
Identifiers: ClinVar variation 1457633 (VCV001457633.8), dbSNP rs1355979496, ClinGen allele CA340745901.